The following is an entry in ClinVar:

NM_003482.4(KMT2D):c.13675C>T (p.Leu4559=)

Gene: KMT2D (lysine methyltransferase 2D; minus strand). Cytogenetic location: 12q13.12.
Variant type: single nucleotide variant.
Coding change: c.13675C>T on transcript NM_003482.4 (MANE Select); coding-DNA position 13675, C replaced by T.
Protein change: p.Leu4559=; no amino-acid change (leucine 4559 retained).
Molecular consequence: synonymous variant.
Genome position (GRCh38, 1-based): chr12:49,030,765, G>A on the plus strand (C>T on the coding strand, the complement: KMT2D is on the minus strand). VCF-style: chr12-49030765-G-A. GRCh37 (hg19) VCF-style: chr12-49424548-G-A.
Identifiers: ClinVar variation 4779538 (VCV004779538.2).

ClinVar aggregate classification (germline): Likely benign. Review status: criteria provided, multiple submitters, no conflicts (2 of 4 stars). 2 submissions from 2 submitters: Likely benign (2). Last evaluated 2026-06-28.

Conditions:
Kabuki syndrome. Also called: Kabuki make-up syndrome; NIIKAWA-KUROKI SYNDROME. Identifiers: Orphanet 2322, MedGen C0796004, MONDO:0016512.
KMT2D-related disorder. Also called: KMT2D-Related Disorders.

gnomAD v4.1: 24 of 1,613,432 alleles (0.0015%); highest among the groups gnomAD compares: Non-Finnish European, 0.002%; no homozygotes.

Submissions (2):

PreventionGenetics, part of Exact Sciences
Classification: Likely benign for KMT2D-related condition. Last evaluated: 2026-06-28. Review status: criteria provided, single submitter. Criteria: ACMG Guidelines, 2015. Collection method: clinical testing. Allele origin: germline.
Comment: This variant is classified as likely benign based on ACMG/AMP sequence variant interpretation guidelines (Richards et al. 2015 PMID: 25741868, with internal and published modifications).

Labcorp Genetics (formerly Invitae), Labcorp
Classification: Likely benign for Kabuki syndrome. Last evaluated: 2026-01-18. Review status: criteria provided, single submitter. Criteria: Invitae Variant Classification Sherloc (09022015). Collection method: clinical testing. Allele origin: germline.